The following is an entry in ClinVar:

ClinVar aggregate classification (germline): Likely benign. Review status: criteria provided, multiple submitters, no conflicts (2 of 4 stars). 4 submissions from 4 submitters: Likely benign (4). Last evaluated 2026-08-24.

Conditions:
Tuberous sclerosis 2 (TSC2). Identifiers: Orphanet 805, MedGen C1860707, MONDO:0013199, OMIM 613254.
Hereditary cancer-predisposing syndrome. Also called: Neoplastic Syndromes, Hereditary; Hereditary neoplastic syndrome; Hereditary Cancer Syndrome; Tumor predisposition. Identifiers: Orphanet 140162, MedGen C0027672, MeSH D009386, MONDO:0015356.

Allele frequency attached by ClinVar (database versions not stated): TOPMed below 0.00001; gnomAD exomes 0.00001.
gnomAD v4.1: 12 of 1,613,538 alleles (0.00074%); highest among the groups gnomAD compares: Non-Finnish European, 0.001%; no homozygotes.

Submissions (4):

Ambry Genetics
Classification: Likely benign for Hereditary cancer-predisposing syndrome. Last evaluated: 2026-08-24. Review status: criteria provided, single submitter. Criteria: Ambry Variant Classification Scheme 2023. Collection method: clinical testing. Allele origin: germline.

Myriad Genetics, Inc.
Classification: Likely benign for Tuberous sclerosis 2. Last evaluated: 2025-05-19. Review status: criteria provided, single submitter. Criteria: Myriad Autosomal Dominant, Autosomal Recessive and X-Linked Classification Criteria (2023). Collection method: clinical testing. Allele origin: unknown.
Comment: This variant is considered likely benign. This variant is intronic and is not expected to impact mRNA splicing.

Labcorp Genetics (formerly Invitae), Labcorp
Classification: Likely benign for Tuberous sclerosis 2. Last evaluated: 2024-11-12. Review status: criteria provided, single submitter. Criteria: Invitae Variant Classification Sherloc (09022015). Collection method: clinical testing. Allele origin: germline.

Genome-Nilou Lab
Classification: Likely benign for Tuberous sclerosis 2. Last evaluated: 2021-11-07. Review status: criteria provided, single submitter. Criteria: ACMG Guidelines, 2015. Collection method: clinical testing. Allele origin: germline. Affected: no.

NM_000548.5(TSC2):c.2221-5A>G

Gene: TSC2 (TSC complex subunit 2; plus strand). Cytogenetic location: 16p13.3.
Variant type: single nucleotide variant.
Coding change: c.2221-5A>G on transcript NM_000548.5 (MANE Select); 5 bases into the intron before coding-DNA position 2221, A replaced by G.
Molecular consequence: intron variant.
Genome position (GRCh38, 1-based): chr16:2,072,844, A>G. VCF-style: chr16-2072844-A-G. GRCh37 (hg19) VCF-style: chr16-2122845-A-G.
Other names: c.2221-5A>G (NM_001114382.3, NM_021055.3, NM_001370405.1 and 3 more transcripts); c.2110-5A>G (NM_001318827.2); c.1621-5A>G (NM_001318831.2); c.2074-5A>G (NM_001318829.2); c.2254-5A>G (NM_001318832.2).
Identifiers: ClinVar variation 480828 (VCV000480828.18), dbSNP rs1555506829, ClinGen allele CA658658375.